The following is an entry in ClinVar:

ClinVar aggregate classification (germline): Uncertain significance (0 of 4 stars; one submission).

Conditions:
PLXNA3-related disorder. Also called: PLXNA3-related condition.

gnomAD v4.1: 21 of 1,188,283 alleles (0.0018%); highest among the groups gnomAD compares: African/African-American, 0.0053%; no homozygotes.

Submission:

PreventionGenetics, part of Exact Sciences
Classification: Uncertain significance for PLXNA3-related condition. Last evaluated: 2024-02-19. Review status: no assertion criteria provided. Collection method: clinical testing. Allele origin: germline.
Comment: The PLXNA3 c.3080G>T variant is predicted to result in the amino acid substitution p.Arg1027Leu. To our knowledge, this variant has not been reported in the literature. This variant is reported in 0.0062% of alleles in individuals of African descent in gnomAD. At this time, the clinical significance of this variant is uncertain due to the absence of conclusive functional and genetic evidence.

NM_017514.5(PLXNA3):c.3080G>T (p.Arg1027Leu)

Gene: PLXNA3 (plexin A3; plus strand). Cytogenetic location: Xq28.
Variant type: single nucleotide variant.
Coding change: c.3080G>T on transcript NM_017514.5 (MANE Select); coding-DNA position 3080, G replaced by T.
Protein change: p.Arg1027Leu; replaces arginine 1027 with leucine.
Molecular consequence: missense variant.
Genome position (GRCh38, 1-based): chrX:154,466,766, G>T. VCF-style: chrX-154466766-G-T. GRCh37 (hg19) VCF-style: chrX-153695109-G-T.
Other names: short protein forms R1027L.
Identifiers: ClinVar variation 3030718 (VCV003030718.2), dbSNP rs201094369, ClinGen allele CA415243036.